The following is an entry in ClinVar:

ClinVar aggregate classification (germline): Likely benign. Review status: reviewed by expert panel (3 of 4 stars). 3 submissions from 3 submitters: Likely benign (1). 2 of the submissions do not count toward it. Last evaluated 2017-06-29.

Conditions:
Hereditary cancer-predisposing syndrome. Also called: Tumor predisposition; Hereditary Cancer Syndrome; Hereditary neoplastic syndrome; Neoplastic Syndromes, Hereditary. Identifiers: Orphanet 140162, MedGen C0027672, MeSH D009386, MONDO:0015356.
Hereditary breast ovarian cancer syndrome. Also called: Breast and ovarian cancer; Hereditary breast and ovarian cancer syndrome; Hereditary breast and ovarian cancer; BRCA1- and BRCA2-Associated Hereditary Breast and Ovarian Cancer; Hereditary breast and ovarian cancer syndrome (HBOC); Hereditary breast and/or ovarian cancer syndrome. Identifiers: Orphanet 145, MedGen C0677776, MeSH D061325, MONDO:0003582. Disease mechanism: loss of function.
Breast-ovarian cancer, familial, susceptibility to, 2 (BROVCA2). Also called: BRCA2 Hereditary Breast and Ovarian Cancer. Identifiers: Orphanet 145, MedGen C2675520, MONDO:0012933, OMIM 612555. Disease mechanism: loss of function.

Allele frequency attached by ClinVar (database versions not stated): gnomAD exomes below 0.00001.
gnomAD v4.1: 1 of 1,613,970 alleles (0.000062%); highest among the groups gnomAD compares: South Asian, 0.0011%; no homozygotes.

Submissions (3):

Evidence-based Network for the Interpretation of Germline Mutant Alleles (ENIGMA)
Classification: Likely benign for Breast-ovarian cancer, familial, susceptibility to, 2. Last evaluated: 2017-06-29. Review status: reviewed by expert panel. Criteria: ENIGMA BRCA1/2 Classification Criteria (2017-06-29). Collection method: curation. Allele origin: germline.
Comment: Synonymous substitution variant, with low bioinformatic likelihood to result in a splicing aberration (Splicing prior probability 0.02).

Labcorp Genetics (formerly Invitae), Labcorp
Classification: Likely benign for Hereditary breast ovarian cancer syndrome. Last evaluated: 2023-10-19. Review status: criteria provided, single submitter. Criteria: Invitae Variant Classification Sherloc (09022015). Collection method: clinical testing. Allele origin: germline. Not counted in ClinVar's aggregate classification.

Ambry Genetics
Classification: Likely benign for Hereditary cancer-predisposing syndrome. Last evaluated: 2014-05-27. Review status: criteria provided, single submitter. Criteria: Ambry Variant Classification Scheme 2023. Collection method: clinical testing. Allele origin: germline. Not counted in ClinVar's aggregate classification.

NM_000059.4(BRCA2):c.6693T>C (p.Ala2231=)

Gene: BRCA2 (BRCA2 DNA repair associated; plus strand). Cytogenetic location: 13q13.1.
Variant type: single nucleotide variant.
Coding change: c.6693T>C on transcript NM_000059.4 (MANE Select); coding-DNA position 6693, T replaced by C.
Protein change: p.Ala2231=; no amino-acid change (alanine 2231 retained).
Molecular consequence: synonymous variant.
Genome position (GRCh38, 1-based): chr13:32,341,048, T>C. VCF-style: chr13-32341048-T-C. GRCh37 (hg19) VCF-style: chr13-32915185-T-C.
Identifiers: ClinVar variation 185255 (VCV000185255.10), dbSNP rs786202036, ClinGen allele CA024300.